The following is an entry in ClinVar:

NM_033022.4(RPS24):c.11C>A (p.Thr4Asn)

Gene: RPS24 (ribosomal protein S24; plus strand). Cytogenetic location: 10q22.3.
Variant type: single nucleotide variant.
Coding change: c.11C>A on transcript NM_033022.4 (MANE Select); coding-DNA position 11, C replaced by A.
Protein change: p.Thr4Asn; replaces threonine 4 with asparagine.
Molecular consequence: missense variant.
Genome position (GRCh38, 1-based): chr10:78,035,359, C>A. VCF-style: chr10-78035359-C-A. GRCh37 (hg19) VCF-style: chr10-79795117-C-A.
Other names: c.11C>A, p.Thr4Asn (NM_001026.5, NM_001142282.2, NM_001142283.2 and 2 more transcripts); short protein forms T4N.
Identifiers: ClinVar variation 3617994 (VCV003617994.2).

ClinVar aggregate classification (germline): Uncertain significance (1 of 4 stars; one submission).

Conditions:
Diamond-Blackfan anemia. Also called: Blackfan Diamond syndrome; Aregenerative anemia chronic congenital; Red cell aplasia, pure hereditary; Congenital hypoplastic anemia; Aase syndrome. Identifiers: Orphanet 124, MedGen C1260899, MeSH D029503, MONDO:0015253, HP:0004810.

Submission:

Labcorp Genetics (formerly Invitae), Labcorp
Classification: Uncertain significance for Diamond-Blackfan anemia. Last evaluated: 2025-03-04. Review status: criteria provided, single submitter. Criteria: Invitae Variant Classification Sherloc (09022015). Collection method: clinical testing. Allele origin: germline.
Comment: This sequence change replaces threonine, which is neutral and polar, with asparagine, which is neutral and polar, at codon 4 of the RPS24 protein (p.Thr4Asn). This variant is not present in population databases (gnomAD no frequency). This variant has not been reported in the literature in individuals affected with RPS24-related conditions. An algorithm developed to predict the effect of missense changes on protein structure and function (PolyPhen-2) suggests that this variant is likely to be tolerated. In summary, the available evidence is currently insufficient to determine the role of this variant in disease. Therefore, it has been classified as a Variant of Uncertain Significance.